The following is an entry in ClinVar:

NM_004519.4(KCNQ3):c.1774A>C (p.Thr592Pro)

Gene: KCNQ3 (potassium voltage-gated channel subfamily Q member 3; minus strand). Cytogenetic location: 8q24.22.
Variant type: single nucleotide variant.
Coding change: c.1774A>C on transcript NM_004519.4 (MANE Select); coding-DNA position 1774, A replaced by C.
Protein change: p.Thr592Pro; replaces threonine 592 with proline.
Molecular consequence: missense variant.
Genome position (GRCh38, 1-based): chr8:132,134,315, T>G on the plus strand (A>C on the coding strand, the complement: KCNQ3 is on the minus strand). VCF-style: chr8-132134315-T-G. GRCh37 (hg19) VCF-style: chr8-133146562-T-G.
Other names: c.1774A>C (NM_004519.3); c.1414A>C, p.Thr472Pro (NM_001204824.2); short protein forms T472P, T592P.
Identifiers: ClinVar variation 1367976 (VCV001367976.9), dbSNP rs2130931529, ClinGen allele CA372218086.

ClinVar aggregate classification (germline): Uncertain significance. Review status: criteria provided, multiple submitters, no conflicts (2 of 4 stars). 2 submissions from 2 submitters: Uncertain significance (2). Last evaluated 2025-07-11.

Conditions:
Inborn genetic diseases. Identifiers: MedGen C0950123, MeSH D030342.
Benign neonatal seizures. Also called: Convulsions benign familial neonatal dominant form; Autosomal dominant form of benign neonatal seizures; Benign familial neonatal epilepsy; Benign neonatal familial convulsions; Benign familial neonatal seizures. Identifiers: Orphanet 1949, MedGen C0220669, MONDO:0016027.

Submissions (2):

Ambry Genetics
Classification: Uncertain significance for Inborn genetic diseases. Last evaluated: 2025-07-11. Review status: criteria provided, single submitter. Criteria: Ambry Variant Classification Scheme 2023. Collection method: clinical testing. Allele origin: germline.

Labcorp Genetics (formerly Invitae), Labcorp
Classification: Uncertain significance for Benign neonatal seizures. Last evaluated: 2025-04-28. Review status: criteria provided, single submitter. Criteria: Invitae Variant Classification Sherloc (09022015). Collection method: clinical testing. Allele origin: germline.
Comment: This sequence change replaces threonine, which is neutral and polar, with proline, which is neutral and non-polar, at codon 592 of the KCNQ3 protein (p.Thr592Pro). This variant is not present in population databases (gnomAD no frequency). This variant has not been reported in the literature in individuals affected with KCNQ3-related conditions. ClinVar contains an entry for this variant (Variation ID: 1367976). Invitae Evidence Modeling of protein sequence and biophysical properties (such as structural, functional, and spatial information, amino acid conservation, physicochemical variation, residue mobility, and thermodynamic stability) indicates that this missense variant is not expected to disrupt KCNQ3 protein function with a negative predictive value of 95%. Algorithms developed to predict the effect of sequence changes on RNA splicing suggest that this variant may disrupt the consensus splice site. In summary, the available evidence is currently insufficient to determine the role of this variant in disease. Therefore, it has been classified as a Variant of Uncertain Significance.